The following is an entry in ClinVar:

NM_006493.4(CLN5):c.207_213del (p.Pro68_Tyr69insTer)

Gene: CLN5 (CLN5 lysosomal BMP synthase; plus strand). Cytogenetic location: 13q22.3.
Variant type: Deletion.
Coding change: c.207_213del on transcript NM_006493.4 (MANE Select); coding-DNA positions 207 to 213, 7 bases deleted (TTGTCAA; older notation c.207_213delTTGTCAA).
Protein change: p.Pro68_Tyr69insTer.
Molecular consequence: nonsense.
Genome position (GRCh38, 1-based): chr13:76,995,096-76,995,102, TTGTCAA deleted; deleting any 7 consecutive bases within chr13:76,995,095-76,995,102 gives the same sequence; the c. name uses the placement nearest the transcript's 3' end. VCF-style (leftmost placement, unchanged base first): chr13-76995094-TATTGTCA-T. GRCh37 (hg19) VCF-style: chr13-77569229-TATTGTCA-T.
Other names: c.207_213del, p.Pro68_Tyr69insTer (NM_001366624.2).
Identifiers: ClinVar variation 1075843 (VCV001075843.9), dbSNP rs2034242246, ClinGen allele CA957798436.

ClinVar aggregate classification (germline): Pathogenic/Likely pathogenic. Review status: criteria provided, multiple submitters, no conflicts (2 of 4 stars). 3 submissions from 3 submitters: Pathogenic (1); Likely pathogenic (2). Last evaluated 2024-01-24.

Conditions:
Neuronal ceroid lipofuscinosis 5 (CLN5). Also called: Neuronal ceroid lipofuscinosis Finnish variant; NEURONAL CEROID LIPOFUSCINOSIS, LATE INFANTILE, FINNISH VARIANT; CLN5-Related Neuronal Ceroid-Lipofuscinosis; CEROID LIPOFUSCINOSIS, NEURONAL, 5, VARIABLE AGE AT ONSET. Identifiers: Orphanet 168491, Orphanet 228360, MedGen C1850442, MONDO:0009745, OMIM 256731.
Neuronal ceroid lipofuscinosis. Also called: Neuronal Ceroid Lipofuscinoses. Identifiers: Orphanet 216, Orphanet 79263, MedGen C0027877, MONDO:0016295. Disease mechanism: loss of function.

Submissions (3):

Fulgent Genetics
Classification: Likely pathogenic for Neuronal ceroid lipofuscinosis 5. Last evaluated: 2024-01-24. Review status: criteria provided, single submitter. Criteria: ACMG Guidelines, 2015. Collection method: clinical testing. Allele origin: germline.

Labcorp Genetics (formerly Invitae), Labcorp
Classification: Pathogenic for Neuronal ceroid lipofuscinosis. Last evaluated: 2023-12-11. Review status: criteria provided, single submitter. Criteria: Invitae Variant Classification Sherloc (09022015). Collection method: clinical testing. Allele origin: germline.
Comment: This sequence change creates a premature translational stop signal (p.Tyr118*) in the CLN5 gene. It is expected to result in an absent or disrupted protein product. Loss-of-function variants in CLN5 are known to be pathogenic (PMID: 20157158). This variant is not present in population databases (gnomAD no frequency). This variant has not been reported in the literature in individuals affected with CLN5-related conditions. ClinVar contains an entry for this variant (Variation ID: 1075843). For these reasons, this variant has been classified as Pathogenic.

Baylor Genetics
Classification: Likely pathogenic for Neuronal ceroid lipofuscinosis 5. Last evaluated: 2023-07-12. Review status: criteria provided, single submitter. Criteria: ACMG Guidelines, 2015. Collection method: clinical testing. Allele origin: unknown.

Literature cited by the submitters: PubMed 20157158 (cited by Labcorp Genetics (formerly Invitae), Labcorp).